The following is an entry in ClinVar:

NM_021098.3(CACNA1H):c.6290C>T (p.Ala2097Val)

Gene: CACNA1H (calcium voltage-gated channel subunit alpha1 H; plus strand). Cytogenetic location: 16p13.3.
Variant type: single nucleotide variant.
Coding change: c.6290C>T on transcript NM_021098.3 (MANE Select); coding-DNA position 6290, C replaced by T.
Protein change: p.Ala2097Val; replaces alanine 2097 with valine.
Molecular consequence: missense variant.
Genome position (GRCh38, 1-based): chr16:1,220,222, C>T. VCF-style: chr16-1220222-C-T. GRCh37 (hg19) VCF-style: chr16-1270222-C-T.
Other names: c.6272C>T, p.Ala2091Val (NM_001005407.2); short protein forms A2091V, A2097V.
Identifiers: ClinVar variation 1719652 (VCV001719652.5), dbSNP rs946203349, ClinGen allele CA394149445.

ClinVar aggregate classification (germline): Uncertain significance (1 of 4 stars; one submission).

Conditions:
Hyperaldosteronism, familial, type IV (HALD4). Also called: FH IV; ALDOSTERONISM, PRIMARY, AND HYPERTENSION. Identifiers: Orphanet 642671, MedGen C4310756, MONDO:0014875, OMIM 617027.
Idiopathic generalized epilepsy. Also called: EIG; Generalised epilepsy. Identifiers: MedGen C0270850, MONDO:0005579, OMIM 600669.

Submission:

Labcorp Genetics (formerly Invitae), Labcorp
Classification: Uncertain significance for Idiopathic generalized epilepsy; Hyperaldosteronism, familial, type IV. Last evaluated: 2024-01-03. Review status: criteria provided, single submitter. Criteria: Invitae Variant Classification Sherloc (09022015). Collection method: clinical testing. Allele origin: germline.
Comment: This sequence change replaces alanine, which is neutral and non-polar, with valine, which is neutral and non-polar, at codon 2097 of the CACNA1H protein (p.Ala2097Val). This variant is not present in population databases (gnomAD no frequency). This variant has not been reported in the literature in individuals affected with CACNA1H-related conditions. ClinVar contains an entry for this variant (Variation ID: 1719652). Advanced modeling of protein sequence and biophysical properties (such as structural, functional, and spatial information, amino acid conservation, physicochemical variation, residue mobility, and thermodynamic stability) performed at Invitae indicates that this missense variant is not expected to disrupt CACNA1H protein function with a negative predictive value of 80%. In summary, the available evidence is currently insufficient to determine the role of this variant in disease. Therefore, it has been classified as a Variant of Uncertain Significance.